The following is an entry in ClinVar:

NM_001270974.2(HYDIN):c.2395G>A (p.Ala799Thr)

Gene: HYDIN (HYDIN axonemal central pair apparatus protein; minus strand). Cytogenetic location: 16q22.2.
Variant type: single nucleotide variant.
Coding change: c.2395G>A on transcript NM_001270974.2 (MANE Select); coding-DNA position 2395, G replaced by A.
Protein change: p.Ala799Thr; replaces alanine 799 with threonine.
Molecular consequence: missense variant.
Genome position (GRCh38, 1-based): chr16:71,060,638, C>T on the plus strand (G>A on the coding strand, the complement: HYDIN is on the minus strand). VCF-style: chr16-71060638-C-T. GRCh37 (hg19) VCF-style: chr16-71094541-C-T.
Other names: c.2476G>A, p.Ala826Thr (NM_001198542.1); c.2446G>A, p.Ala816Thr (NM_001198543.1); c.2395G>A, p.Ala799Thr (NM_017558.5); short protein forms A799T, A816T, A826T.
Identifiers: ClinVar variation 2442500 (VCV002442500.2), dbSNP rs796549333, ClinGen allele CA283534312.

ClinVar aggregate classification (germline): Conflicting classifications of pathogenicity. Review status: criteria provided, conflicting classifications (1 of 4 stars). 2 submissions from 2 submitters: Uncertain significance (1); Likely benign (1). Last evaluated 2025-10-23.

Conditions:
Inborn genetic diseases. Identifiers: MedGen C0950123, MeSH D030342.

Allele frequency attached by ClinVar (database versions not stated): TOPMed 0.00019.

Submissions (2):

Ambry Genetics
Classification: Likely benign for Inborn genetic diseases. Last evaluated: 2025-10-23. Review status: criteria provided, single submitter. Criteria: Ambry Variant Classification Scheme 2023. Collection method: clinical testing. Allele origin: germline.

GeneDx
Classification: Uncertain significance. Last evaluated: 2022-08-30. Review status: criteria provided, single submitter. Criteria: GeneDx Variant Classification Process June 2021. Collection method: clinical testing. Allele origin: germline. Affected: yes.
Comment: In silico analysis supports that this missense variant does not alter protein structure/function; Has not been previously published as pathogenic or benign to our knowledge